The following is an entry in ClinVar:

NM_001370259.2(MEN1):c.24G>A (p.Lys8=)

Gene: MEN1 (menin 1; minus strand). Cytogenetic location: 11q13.1.
Variant type: single nucleotide variant.
Coding change: c.24G>A on transcript NM_001370259.2 (MANE Select); coding-DNA position 24, G replaced by A.
Protein change: p.Lys8=; no amino-acid change (lysine 8 retained).
Molecular consequence: synonymous variant.
Genome position (GRCh38, 1-based): chr11:64,810,086, C>T on the plus strand (G>A on the coding strand, the complement: MEN1 is on the minus strand). VCF-style: chr11-64810086-C-T. GRCh37 (hg19) VCF-style: chr11-64577558-C-T.
Other names: c.24G>A, p.Lys8= (NM_001370251.2, NM_001370260.2, NM_000244.4 and 9 more transcripts); c.24G>A (NM_130799.2).
Identifiers: ClinVar variation 1538418 (VCV001538418.10), dbSNP rs2136196440, ClinGen allele CA475163330.

ClinVar aggregate classification (germline): Benign/Likely benign. Review status: criteria provided, multiple submitters, no conflicts (2 of 4 stars). 3 submissions from 3 submitters: Benign (1); Likely benign (2). Last evaluated 2025-07-30.

Conditions:
Hereditary cancer-predisposing syndrome. Also called: Tumor predisposition; Hereditary Cancer Syndrome; Hereditary neoplastic syndrome; Neoplastic Syndromes, Hereditary. Identifiers: Orphanet 140162, MedGen C0027672, MeSH D009386, MONDO:0015356.
Multiple endocrine neoplasia, type 1 (MEN1). Also called: MEN I; WERMER SYNDROME; Endocrine adenomatosis multiple; MEN 1; MEA I. Identifiers: Orphanet 652, MedGen C0025267, MeSH D018761, MONDO:0007540, OMIM 131100.

Submissions (3):

Labcorp Genetics (formerly Invitae), Labcorp
Classification: Likely benign for Multiple endocrine neoplasia, type 1. Last evaluated: 2025-07-30. Review status: criteria provided, single submitter. Criteria: Invitae Variant Classification Sherloc (09022015). Collection method: clinical testing. Allele origin: germline.

Myriad Genetics, Inc.
Classification: Benign for Multiple endocrine neoplasia, type 1. Last evaluated: 2024-10-31. Review status: criteria provided, single submitter. Criteria: Myriad Autosomal Dominant, Autosomal Recessive and X-Linked Classification Criteria (2023). Collection method: clinical testing. Allele origin: unknown.
Comment: This variant is considered benign. This variant is a silent/synonymous amino acid change and it is not expected to impact splicing.

Ambry Genetics
Classification: Likely benign for Hereditary cancer-predisposing syndrome. Last evaluated: 2024-07-16. Review status: criteria provided, single submitter. Criteria: Ambry Variant Classification Scheme 2023. Collection method: clinical testing. Allele origin: germline.